The following is an entry in ClinVar:

NM_000548.5(TSC2):c.2859dup (p.Lys954fs)

Gene: TSC2 (TSC complex subunit 2; plus strand). Cytogenetic location: 16p13.3.
Variant type: Duplication.
Coding change: c.2859dup on transcript NM_000548.5 (MANE Select); coding-DNA position 2859, one base duplicated (C; older notation c.2859dupC).
Protein change: p.Lys954fs; shifts the reading frame from lysine 954.
Molecular consequence: frameshift variant. On other transcripts: intron variant (9).
Genome position (GRCh38, 1-based): chr16:2,077,619, C duplicated; the last of 6 consecutive C bases (chr16:2,077,614-2,077,619); duplicating any one gives the same sequence. VCF-style (leftmost placement, unchanged base first): chr16-2077613-A-AC. GRCh37 (hg19) VCF-style: chr16-2127614-A-AC.
Other names: c.2859dup (NM_000548.3); c.2859dup, p.Lys954fs (NM_001114382.3); c.2837+1034dup (NM_021055.3, NM_001370405.1, NM_001363528.2 and 2 more transcripts); c.2726+1034dup (NM_001318827.2); c.2237+1034dup (NM_001318831.2); c.2690+1034dup (NM_001318829.2); c.2870+1034dup (NM_001318832.2); short protein forms K954fs.
Identifiers: ClinVar variation 207774 (VCV000207774.32), dbSNP rs796053504, ClinGen allele CA319575.

ClinVar aggregate classification (germline): Conflicting classifications of pathogenicity. Review status: criteria provided, conflicting classifications (1 of 4 stars). 7 submissions from 7 submitters: Pathogenic (1); Likely pathogenic (1); Uncertain significance (4); Likely benign (1). Last evaluated 2026-03-12.

Conditions:
Isolated focal cortical dysplasia type II (FCORD2). Also called: CORTICAL DYSPLASIA OF TAYLOR; Focal cortical dysplasia type II. Identifiers: Orphanet 268994, MedGen C1846385, MONDO:0011818, OMIM 607341, HP:0032051.
Hereditary cancer-predisposing syndrome. Also called: Tumor predisposition; Neoplastic Syndromes, Hereditary; Hereditary Cancer Syndrome; Hereditary neoplastic syndrome. Identifiers: Orphanet 140162, MedGen C0027672, MeSH D009386, MONDO:0015356.
Tuberous sclerosis 2 (TSC2). Identifiers: Orphanet 805, MedGen C1860707, MONDO:0013199, OMIM 613254.

Submissions (7):

Dasa
Classification: Uncertain significance for Tuberous sclerosis 2. Last evaluated: 2026-03-12. Review status: criteria provided, single submitter. Criteria: DASA Assertion Criteria. Collection method: clinical testing. Allele origin: germline.
Comment: NM_000548.5(TSC2):c.2859dup (p.Lys954Glnfs*6) is a frameshift variant in TSC2 predicted to alter the reading frame and introduce a premature termination codon. Published studies describe this variant in association with Tuberous sclerosis 2 (PMID: 26703369). Also, this variant is rare in population databases. The currently available literature and clinical evidence are not sufficient to establish a definitive association between this variant and the reported condition. Therefore, this variant is classified as a variant of uncertain significance.

Labcorp Genetics (formerly Invitae), Labcorp
Classification: Likely benign for Tuberous sclerosis 2. Last evaluated: 2025-08-03. Review status: criteria provided, single submitter. Criteria: Invitae Variant Classification Sherloc (09022015). Collection method: clinical testing. Allele origin: germline.

Ambry Genetics
Classification: Uncertain significance for Hereditary cancer-predisposing syndrome. Last evaluated: 2025-05-15. Review status: criteria provided, single submitter. Criteria: Ambry Variant Classification Scheme 2023. Collection method: clinical testing. Allele origin: germline.
Comment: The c.2859dupC variant, located in coding exon 25 of the TSC2 gene, results from a duplication of C at nucleotide position 2859, causing a translational frameshift with a predicted alternate stop codon (p.K954Qfs*6). This alteration has been identified in at least one patient with epilepsy (Ekong R et al. Hum Mutat, 2016 Apr;37:364-70; Lindy AS et al. Epilepsia, 2018 05;59:1062-1071). This alteration is expected to result in protein truncation or nonsense-mediated mRNA decay. However, this variant occurs in an exon that is absent in biologically relevant transcripts (Ekong R et al. Hum. Mutat., 2016 Apr;37:364-70). Since supporting evidence is limited at this time, the clinical significance of this alteration remains unclear.

CeGaT Center for Human Genetics Tuebingen
Classification: Uncertain significance. Last evaluated: 2024-11-01. Review status: criteria provided, single submitter. Criteria: CeGaT Center For Human Genetics Tuebingen Variant Classification Criteria Version 2. Collection method: clinical testing. Allele origin: germline. Affected: yes. Observed: 1 variant allele.
Comment: TSC2: PVS1:Strong, PS4:Supporting

Baylor Genetics
Classification: Uncertain significance for Isolated focal cortical dysplasia type II. Last evaluated: 2023-08-28. Review status: criteria provided, single submitter. Criteria: ACMG Guidelines, 2015. Collection method: clinical testing. Allele origin: unknown.

Genome-Nilou Lab
Classification: Likely pathogenic for Tuberous sclerosis 2. Last evaluated: 2021-11-07. Review status: criteria provided, single submitter. Criteria: ACMG Guidelines, 2015. Collection method: clinical testing. Allele origin: germline. Affected: no.

GeneDx
Classification: Pathogenic. Last evaluated: 2013-04-25. Review status: criteria provided, single submitter. Criteria: GeneDx Variant Classification (06012015). Collection method: clinical testing. Allele origin: germline. Affected: yes.
Comment: c.2859dupC: p.Lys954GlnfsX6 (K954Qfsx6) in exon 26 of the TSC2 gene (NM_000548.3). The normal sequence with the base that is duplicated in braces is: ACCCCC{dupC}AAAC.The c.2859dupC mutation in the TSC2 gene causes a frameshift starting with codon Lysine 954, changes this amino acid to a Glutamine residue and creates a premature Stop codon at position 6 of the new reading frame, denoted p.Lys954GlnfsX6. This mutation is predicted to cause loss of normal protein function either through protein truncation or nonsense-mediated mRNA decay. Although this mutation has not been previously reported to our knowledge, it is considered a disease-causing mutation.The variant is found in INFANT-EPI panel(s).

Literature cited by the submitters: PubMed 26703369 (cited by Dasa and Ambry Genetics); PubMed 29655203 (cited by Ambry Genetics).